The following is an entry in ClinVar:

ClinVar aggregate classification (germline): Uncertain significance (1 of 4 stars; one submission).

Conditions:
Hyper-IgM syndrome type 1. Also called: Hyper-IgM Immunodeficiency Syndrome, Type 1; CD40 Ligand Deficiency; X-linked hyper-IgM syndrome; Immunodeficiency, X-linked, with hyper-IgM. Identifiers: Orphanet 101088, MedGen C0398689, MONDO:0010626, OMIM 308230.

Submission:

Labcorp Genetics (formerly Invitae), Labcorp
Classification: Uncertain significance for Hyper-IgM syndrome type 1. Last evaluated: 2021-06-30. Review status: criteria provided, single submitter. Criteria: Invitae Variant Classification Sherloc (09022015). Collection method: clinical testing. Allele origin: germline.
Comment: In summary, the available evidence is currently insufficient to determine the role of this variant in disease. Therefore, it has been classified as a Variant of Uncertain Significance. Advanced modeling of protein sequence and biophysical properties (such as structural, functional, and spatial information, amino acid conservation, physicochemical variation, residue mobility, and thermodynamic stability) performed at Invitae indicates that this missense variant is not expected to disrupt CD40LG protein function. This variant has not been reported in the literature in individuals affected with CD40LG-related conditions. This variant is not present in population databases (ExAC no frequency). This sequence change replaces glutamine with glutamic acid at codon 70 of the CD40LG protein (p.Gln70Glu). The glutamine residue is highly conserved and there is a small physicochemical difference between glutamine and glutamic acid.

NM_000074.3(CD40LG):c.208C>G (p.Gln70Glu)

Gene: CD40LG (CD40 ligand; plus strand). Cytogenetic location: Xq26.3.
Variant type: single nucleotide variant.
Coding change: c.208C>G on transcript NM_000074.3 (MANE Select); coding-DNA position 208, C replaced by G.
Protein change: p.Gln70Glu; replaces glutamine 70 with glutamic acid.
Molecular consequence: missense variant.
Genome position (GRCh38, 1-based): chrX:136,650,317, C>G. VCF-style: chrX-136650317-C-G. GRCh37 (hg19) VCF-style: chrX-135732476-C-G.
Other names: short protein forms Q70E.
Identifiers: ClinVar variation 1364894 (VCV001364894.8), dbSNP rs2148551102, ClinGen allele CA414753154.